The following is an entry in ClinVar:

NM_004415.4(DSP):c.4562C>T (p.Ala1521Val)

Gene: DSP (desmoplakin; plus strand). Cytogenetic location: 6p24.3.
Variant type: single nucleotide variant.
Coding change: c.4562C>T on transcript NM_004415.4 (MANE Select); coding-DNA position 4562, C replaced by T.
Protein change: p.Ala1521Val; replaces alanine 1521 with valine.
Molecular consequence: missense variant. On other transcripts: intron variant (2).
Genome position (GRCh38, 1-based): chr6:7,580,752, C>T. VCF-style: chr6-7580752-C-T. GRCh37 (hg19) VCF-style: chr6-7580985-C-T.
Other names: c.4050+512C>T (NM_001319034.2); c.3582+980C>T (NM_001008844.3); short protein forms A1521V.
Identifiers: ClinVar variation 2072394 (VCV002072394.6), dbSNP rs559603378, ClinGen allele CA133969914.

ClinVar aggregate classification (germline): Conflicting classifications of pathogenicity. Review status: criteria provided, conflicting classifications (1 of 4 stars). 3 submissions from 3 submitters: Uncertain significance (2); Likely benign (1). Last evaluated 2025-12-21.

Conditions:
Cardiovascular phenotype. Identifiers: MedGen CN230736.
Cardiomyopathy (CMYO). Also called: Cardiomyopathies. Identifiers: Orphanet 167848, MedGen C0878544, MONDO:0004994, HP:0001638. Inheritance: Various modes of inheritance.
Arrhythmogenic right ventricular dysplasia 8 (ARVD8). Also called: Arrhythmogenic Right Ventricular Dysplasia/Cardiomyopathy 8; ARRHYTHMOGENIC RIGHT VENTRICULAR DYSPLASIA, FAMILIAL, 8; ARRHYTHMOGENIC RIGHT VENTRICULAR CARDIOMYOPATHY 8. Identifiers: MedGen C1843896, MONDO:0011831, OMIM 607450.
Arrhythmogenic cardiomyopathy with wooly hair and keratoderma. Also called: Dilated cardiomyopathy with woolly hair and keratoderma; Carvajal syndrome; Arrhythmogenic cardiomyopathy with woolly hair and keratoderma; PALMOPLANTAR KERATODERMA WITH LEFT VENTRICULAR CARDIOMYOPATHY AND WOOLLY HAIR. Identifiers: Orphanet 65282, MedGen C1854063, MONDO:0011581, OMIM 605676.

Allele frequency attached by ClinVar (database versions not stated): gnomAD exomes below 0.00001; gnomAD 0.00001; 1000 Genomes Project 0.00020; 1000 Genomes Project 30x 0.00031.
gnomAD v4.1: 3 of 1,614,012 alleles (0.00019%); highest among the groups gnomAD compares: Non-Finnish European, 0.00025%; no homozygotes.

Submissions (3):

Labcorp Genetics (formerly Invitae), Labcorp
Classification: Likely benign for Arrhythmogenic cardiomyopathy with wooly hair and keratoderma; Arrhythmogenic right ventricular dysplasia 8. Last evaluated: 2025-12-21. Review status: criteria provided, single submitter. Criteria: Invitae Variant Classification Sherloc (09022015). Collection method: clinical testing. Allele origin: germline.

Ambry Genetics
Classification: Uncertain significance for Cardiovascular phenotype. Last evaluated: 2025-10-11. Review status: criteria provided, single submitter. Criteria: Ambry Variant Classification Scheme 2023. Collection method: clinical testing. Allele origin: germline.
Comment: The p.A1521V variant (also known as c.4562C>T), located in coding exon 23 of the DSP gene, results from a C to T substitution at nucleotide position 4562. The alanine at codon 1521 is replaced by valine, an amino acid with similar properties. This amino acid position is conserved. In addition, this alteration is predicted to be tolerated by in silico analysis. Based on the available evidence, the clinical significance of this variant remains unclear.

Color Diagnostics, LLC DBA Color Health
Classification: Uncertain significance for Cardiomyopathy. Last evaluated: 2025-10-05. Review status: criteria provided, single submitter. Criteria: ACMG Guidelines, 2015. Collection method: clinical testing. Allele origin: germline.
Comment: This missense variant replaces alanine with valine at codon 1521 of the DSP protein. Computational prediction suggests that this variant may not impact protein structure and function. To our knowledge, functional studies have not been reported for this variant. This variant has not been reported in individuals affected with DSP-related disorders in the literature. This variant has been identified in 2/250182 chromosomes in the general population by the Genome Aggregation Database (gnomAD). The available evidence is insufficient to determine the role of this variant in disease conclusively. Therefore, this variant is classified as a Variant of Uncertain Significance.